The following is an entry in ClinVar:

ClinVar aggregate classification (germline): Pathogenic/Likely pathogenic. Review status: criteria provided, multiple submitters, no conflicts (2 of 4 stars). 3 submissions from 3 submitters: Pathogenic (1); Likely pathogenic (1). 1 of the submissions does not count toward it. Last evaluated 2025-05-22.

Conditions:
PPARG-related familial partial lipodystrophy. Also called: LIPODYSTROPHY, FAMILIAL PARTIAL, ASSOCIATED WITH PPARG MUTATIONS. Identifiers: Orphanet 79083, MedGen C1720861, MONDO:0011448, OMIM 604367.

Allele frequency attached by ClinVar (database versions not stated): gnomAD exomes below 0.00001.
gnomAD v4.1: 2 of 1,614,098 alleles (0.00012%); highest among the groups gnomAD compares: Non-Finnish European, 0.00017%; no homozygotes.

Submissions (3):

Labcorp Genetics (formerly Invitae), Labcorp
Classification: Likely pathogenic. Last evaluated: 2025-05-22. Review status: criteria provided, single submitter. Criteria: Invitae Variant Classification Sherloc (09022015). Collection method: clinical testing. Allele origin: germline.
Comment: This sequence change replaces arginine, which is basic and polar, with cysteine, which is neutral and slightly polar, at codon 425 of the PPARG protein (p.Arg425Cys). This variant is not present in population databases (gnomAD no frequency). This missense change has been observed in individuals with dyslipidemia, familial partial lipodystrophy, and/or type 2 diabetes (PMID: 11788685, 18076675, 25157153, 31194872, 36227502, 36325899, 36397776, 36806620, 38821874). This variant is also known as c.1189C>T, p.Arg397Cys. ClinVar contains an entry for this variant (Variation ID: 8142). Invitae Evidence Modeling of protein sequence and biophysical properties (such as structural, functional, and spatial information, amino acid conservation, physicochemical variation, residue mobility, and thermodynamic stability) indicates that this missense variant is expected to disrupt PPARG protein function with a positive predictive value of 95%. Experimental studies have shown that this missense change affects PPARG function (PMID: 17312272, 25157153, 28208577, 28300834). In summary, the currently available evidence indicates that the variant is pathogenic, but additional data are needed to prove that conclusively. Therefore, this variant has been classified as Likely Pathogenic.

Genetic Services Laboratory, University of Chicago
Classification: Pathogenic. Last evaluated: 2019-02-27. Review status: criteria provided, single submitter. Criteria: ACMG Guidelines, 2015. Collection method: clinical testing. Allele origin: germline. Affected: yes.
Comment: DNA sequence analysis of the PPARG gene demonstrated a sequence change, c.1273C>T, in exon 7 that results in an amino acid change, p.Arg425Cys. The p.Arg425Cys change affects a moderately conserved amino acid residue located in a C-terminal ligand binding domain (LBD) of the PPARG protein that is known to be functional. The p.Arg425Cys substitution appears to be deleterious using several in-silico pathogenicity prediction tools (SIFT, CADD, Align GVGD, REVEL). This is a novel sequence change that is not present in population databases. PMID: 11788685 identified this sequence change in a patient with diabetes mellitus, hypertriglyceridemia, hirsutism and lipodystrophy of the extremities and face. X ray crystallographic structural studies also showed that tertiary configuration of protein is lost when arginine 425 residue is changed to cysteine. Further structural and functional studies by PMID: 17312272 demonstrated that the substitution to a cysteine residue at this position impairs the PPARG transcriptional activity leading to an inhibition of adipocyte differentiation.

OMIM
Classification: Pathogenic for LIPODYSTROPHY, FAMILIAL PARTIAL, TYPE 3. Last evaluated: 2002-01-01. Review status: no assertion criteria provided. Collection method: literature only. Allele origin: germline. Not counted in ClinVar's aggregate classification.

Literature cited by the submitters: PubMed 11788685 (cited by Labcorp Genetics (formerly Invitae), Labcorp and OMIM); PubMed 18076675 (cited by Labcorp Genetics (formerly Invitae), Labcorp); PubMed 25157153 (cited by Labcorp Genetics (formerly Invitae), Labcorp); PubMed 31194872 (cited by Labcorp Genetics (formerly Invitae), Labcorp); PubMed 36227502 (cited by Labcorp Genetics (formerly Invitae), Labcorp); PubMed 36325899 (cited by Labcorp Genetics (formerly Invitae), Labcorp); PubMed 36397776 (cited by Labcorp Genetics (formerly Invitae), Labcorp); PubMed 36806620 (cited by Labcorp Genetics (formerly Invitae), Labcorp); PubMed 38821874 (cited by Labcorp Genetics (formerly Invitae), Labcorp); PubMed 17312272 (cited by Labcorp Genetics (formerly Invitae), Labcorp); PubMed 28208577 (cited by Labcorp Genetics (formerly Invitae), Labcorp); PubMed 28300834 (cited by Labcorp Genetics (formerly Invitae), Labcorp).

NM_138711.6(PPARG):c.1183C>T (p.Arg395Cys)

Gene: PPARG (peroxisome proliferator activated receptor gamma; plus strand). Cytogenetic location: 3p25.2.
Variant type: single nucleotide variant.
Coding change: c.1183C>T on transcript NM_138711.6 (MANE Select); coding-DNA position 1183, C replaced by T.
Protein change: p.Arg395Cys; replaces arginine 395 with cysteine.
Molecular consequence: missense variant. On other transcripts: synonymous variant (4).
Genome position (GRCh38, 1-based): chr3:12,433,900, C>T. VCF-style: chr3-12433900-C-T. GRCh37 (hg19) VCF-style: chr3-12475399-C-T.
Other names: c.732C>T, p.Thr244= (NM_001330615.4, NM_001374261.3, NM_001374262.3); c.1183C>T, p.Arg395Cys (NM_001354666.3, NM_001354667.3, NM_001374263.2 and 3 more transcripts); c.556C>T, p.Arg186Cys (NM_001354669.2); c.822C>T, p.Thr274= (NM_001374265.1); c.656C>T, p.Pro219Leu (NM_001374266.1); c.1273C>T, p.Arg425Cys (NM_015869.5); short protein forms R425C, R186C, P219L, R395C.
Identifiers: ClinVar variation 8142 (VCV000008142.7), dbSNP rs72551364, ClinGen allele CA119328.
Genomic context (GRCh38, chr3:12,433,900, plus strand): 5'-GGCCCAGAGGATTTTTTGACTGAACCCCCTGTTGTGTTTTCCATATGTGCTTCCCCAGAC[C>T]GCCCAGGTTTGCTGAATGTGAAGCCCATTGAAGACATTCAAGACAACCTGCTACAAGCCC-3'
Protein context (NP_619725.3, residues 385-405): FIAVIILSGD[Arg395Cys]PGLLNVKPIE